The following is an entry in ClinVar:

NM_000426.4(LAMA2):c.5266A>T (p.Lys1756Ter)

Gene: LAMA2 (laminin subunit alpha 2; plus strand). Cytogenetic location: 6q22.33.
Variant type: single nucleotide variant.
Coding change: c.5266A>T on transcript NM_000426.4 (MANE Select); coding-DNA position 5266, A replaced by T.
Protein change: p.Lys1756Ter; replaces lysine 1756 with a stop codon.
Molecular consequence: nonsense.
Genome position (GRCh38, 1-based): chr6:129,393,076, A>T. VCF-style: chr6-129393076-A-T. GRCh37 (hg19) VCF-style: chr6-129714221-A-T.
Other names: c.5266A>T, p.Lys1756Ter (NM_001079823.2); short protein forms K1756*.
Identifiers: ClinVar variation 1698851 (VCV001698851.4), dbSNP rs2114674584, ClinGen allele CA365614625.

ClinVar aggregate classification (germline): Pathogenic. Review status: criteria provided, multiple submitters, no conflicts (2 of 4 stars). 2 submissions from 2 submitters: Pathogenic (2). Last evaluated 2024-03-30.

Conditions:
LAMA2-related muscular dystrophy (LAMA2-RD). Also called: Laminin alpha 2-related dystrophy. Identifiers: MedGen C5679788, MONDO:0100228.
Merosin deficient congenital muscular dystrophy (MDC1A). Also called: Congenital merosin-deficient muscular dystrophy 1A; Congenital Muscular Dystrophy Type 1A (MDC1A). Identifiers: Orphanet 258, MedGen C1263858, MONDO:0011925, OMIM 607855.

Submissions (2):

Myriad Genetics, Inc.
Classification: Pathogenic for LAMA2-related muscular dystrophy. Last evaluated: 2024-03-30. Review status: criteria provided, single submitter. Criteria: Myriad Autosomal Dominant, Autosomal Recessive and X-Linked Classification Criteria (2023). Collection method: clinical testing. Allele origin: unknown.
Comment: NM_000426.3(LAMA2):c.5266A>T(K1756*) is expected to be pathogenic in the context of muscular dystrophy, LAMA2-related. This variant is predicted to lead to an abnormal or absent protein product due to the creation of a premature termination codon in LAMA2, a gene where loss-of-function variants are known to be pathogenic. Please note: this variant was assessed in the context of healthy population screening.

Genetics and Molecular Pathology, SA Pathology
Classification: Pathogenic for Merosin deficient congenital muscular dystrophy. Last evaluated: 2021-04-29. Review status: criteria provided, single submitter. Criteria: ACMG Guidelines, 2015. Collection method: clinical testing. Allele origin: germline. Affected: yes.